The following is an entry in ClinVar:

NM_000059.4(BRCA2):c.6095C>G (p.Ala2032Gly)

Gene: BRCA2 (BRCA2 DNA repair associated; plus strand). Cytogenetic location: 13q13.1.
Variant type: single nucleotide variant.
Coding change: c.6095C>G on transcript NM_000059.4 (MANE Select); coding-DNA position 6095, C replaced by G.
Protein change: p.Ala2032Gly; replaces alanine 2032 with glycine.
Molecular consequence: missense variant. On other transcripts: non-coding transcript variant (1), intron variant (2).
Genome position (GRCh38, 1-based): chr13:32,340,450, C>G. VCF-style: chr13-32340450-C-G. GRCh37 (hg19) VCF-style: chr13-32914587-C-G.
Other names: c.6095C>G, p.Ala2032Gly (NM_001406719.1, NM_001406720.1, NM_001432077.1); c.1910-4108C>G (NM_001406721.1); c.425-4108C>G (NM_001406722.1); short protein forms A2032G.
Identifiers: ClinVar variation 4532829 (VCV004532829.1).

ClinVar aggregate classification (germline): Uncertain significance (1 of 4 stars; one submission).

Submission:

Quest Diagnostics Nichols Institute San Juan Capistrano
Classification: Uncertain significance. Last evaluated: 2025-05-28. Review status: criteria provided, single submitter. Criteria: Quest Diagnostics criteria. Collection method: clinical testing. Allele origin: unknown.
Comment: The BRCA2 c.6095C>G (p.Ala2032Gly) variant has not been reported in individuals with BRCA2-related conditions in the published literature. It also has not been reported in large, multi-ethnic general populations (Genome Aggregation Database). Analysis of this variant using bioinformatics tools for the prediction of the effect of amino acid changes on protein structure and function yielded predictions that this variant is benign. Based on the available information, we are unable to determine the clinical significance of this variant.